The following is an entry in ClinVar:

ClinVar aggregate classification (germline): Pathogenic (1 of 4 stars; one submission).

Conditions:
Epilepsy, childhood absence, susceptibility to, 1. Also called: Epilepsy, childhood absence 1. Identifiers: Orphanet 64280, MedGen C1838604, MONDO:0020759, OMIM 600131.
Epilepsy, childhood absence, susceptibility to, 5. Identifiers: Orphanet 64280, MedGen C2677087, MONDO:0012843, OMIM 612269.

Submission:

Labcorp Genetics (formerly Invitae), Labcorp
Classification: Pathogenic for Epilepsy, childhood absence, susceptibility to, 5; Epilepsy, childhood absence, susceptibility to, 1. Last evaluated: 2022-04-25. Review status: criteria provided, single submitter. Criteria: Invitae Variant Classification Sherloc (09022015). Collection method: clinical testing. Allele origin: germline.
Comment: For these reasons, this variant has been classified as Pathogenic. This variant has not been reported in the literature in individuals affected with GABRB3-related conditions. This variant is a gross deletion of the genomic region encompassing exon(s) 4 of the GABRB3 gene. This deletion is out-of-frame, and is expected to create a premature termination codon and result in an absent or disrupted protein product. Loss-of-function variants in GABRB3 are known to be pathogenic (PMID: 26950270, 28053010).

Literature cited by the submitters: PubMed 26950270; PubMed 28053010.

NC_000015.9:g.(?_26866441)_(26866701_?)del

Gene: GABRB3 (gamma-aminobutyric acid type A receptor subunit beta3; minus strand). Cytogenetic location: 15q12.
Variant type: Deletion.
Identifiers: ClinVar variation 2423402 (VCV002423402.4).